The following is an entry in ClinVar:

ClinVar aggregate classification (germline): Uncertain significance. Review status: criteria provided, multiple submitters, no conflicts (2 of 4 stars). 2 submissions from 2 submitters: Uncertain significance (2). Last evaluated 2025-06-08.

Conditions:
Cardiovascular phenotype. Identifiers: MedGen CN230736.
Hereditary cancer-predisposing syndrome. Also called: Hereditary Cancer Syndrome; Hereditary neoplastic syndrome; Neoplastic Syndromes, Hereditary; Tumor predisposition. Identifiers: Orphanet 140162, MedGen C0027672, MeSH D009386, MONDO:0015356.

Submissions (2):

Labcorp Genetics (formerly Invitae), Labcorp
Classification: Uncertain significance. Last evaluated: 2025-06-08. Review status: criteria provided, single submitter. Criteria: Invitae Variant Classification Sherloc (09022015). Collection method: clinical testing. Allele origin: germline.
Comment: This sequence change replaces alanine, which is neutral and non-polar, with glycine, which is neutral and non-polar, at codon 2 of the LZTR1 protein (p.Ala2Gly). This variant is not present in population databases (gnomAD no frequency). This variant has not been reported in the literature in individuals affected with LZTR1-related conditions. ClinVar contains an entry for this variant (Variation ID: 1750982). Invitae Evidence Modeling of protein sequence and biophysical properties (such as structural, functional, and spatial information, amino acid conservation, physicochemical variation, residue mobility, and thermodynamic stability) indicates that this missense variant is not expected to disrupt LZTR1 protein function with a negative predictive value of 95%. In summary, the available evidence is currently insufficient to determine the role of this variant in disease. Therefore, it has been classified as a Variant of Uncertain Significance.

Ambry Genetics
Classification: Uncertain significance for Cardiovascular phenotype; Hereditary cancer-predisposing syndrome. Last evaluated: 2021-12-29. Review status: criteria provided, single submitter. Criteria: Ambry Variant Classification Scheme 2023. Collection method: clinical testing. Allele origin: germline.
Comment: The p.A2G variant (also known as c.5C>G), located in coding exon 1 of the LZTR1 gene, results from a C to G substitution at nucleotide position 5. The alanine at codon 2 is replaced by glycine, an amino acid with similar properties. This amino acid position is well conserved in available vertebrate species. In addition, this alteration is predicted to be tolerated by in silico analysis. Since supporting evidence is limited at this time, the clinical significance of this alteration remains unclear.

NM_006767.4(LZTR1):c.5C>G (p.Ala2Gly)

Genes: LZTR1 (leucine zipper like post translational regulator 1; plus strand), LOC130067016 (ATAC-STARR-seq lymphoblastoid silent region 13504; plus strand). Cytogenetic location: 22q11.21.
Variant type: single nucleotide variant.
Coding change: c.5C>G on transcript NM_006767.4 (MANE Select); coding-DNA position 5, C replaced by G.
Protein change: p.Ala2Gly; replaces alanine 2 with glycine.
Molecular consequence: missense variant.
Genome position (GRCh38, 1-based): chr22:20,982,376, C>G. VCF-style: chr22-20982376-C-G. GRCh37 (hg19) VCF-style: chr22-21336665-C-G.
Other names: short protein forms A2G.
Identifiers: ClinVar variation 1750982 (VCV001750982.3), dbSNP rs1924222609, ClinGen allele CA410777390.